The following is an entry in ClinVar:

NM_000692.5(ALDH1B1):c.783C>T (p.Thr261=)

Gene: ALDH1B1 (aldehyde dehydrogenase 1 family member B1; plus strand). Cytogenetic location: 9p13.1.
Variant type: single nucleotide variant.
Coding change: c.783C>T on transcript NM_000692.5 (MANE Select); coding-DNA position 783, C replaced by T.
Protein change: p.Thr261=; no amino-acid change (threonine 261 retained).
Molecular consequence: synonymous variant.
Genome position (GRCh38, 1-based): chr9:38,396,531, C>T. VCF-style: chr9-38396531-C-T. GRCh37 (hg19) VCF-style: chr9-38396528-C-T.
Other names: p.T261T:ACC>ACT.
Identifiers: ClinVar variation 214105 (VCV000214105.1), dbSNP rs150776963, ClinGen allele CA322312.

ClinVar aggregate classification (germline): Benign (1 of 4 stars; one submission).

Allele frequency attached by ClinVar (database versions not stated): gnomAD exomes 0.00017 and 0.00039; ExAC 0.00040; ESP Exome Variant Server 0.00100; gnomAD 0.00110 and 0.00113; TOPMed 0.00114; 1000 Genomes Project 0.00240; 1000 Genomes Project 30x 0.00265.
gnomAD v4.1: 418 of 1,613,858 alleles (0.026%); highest among the groups gnomAD compares: African/African-American, 0.41%; 2 homozygotes.

Submission:

GeneDx
Classification: Benign. Last evaluated: 2015-01-09. Review status: criteria provided, single submitter. Criteria: GeneDx Variant Classification (06012015). Collection method: clinical testing. Allele origin: germline. Affected: yes.
Comment: This variant is considered likely benign or benign based on one or more of the following criteria: it is a conservative change, it occurs at a poorly conserved position in the protein, it is predicted to be benign by multiple in silico algorithms, and/or has population frequency not consistent with disease.